The following is an entry in ClinVar:

ClinVar aggregate classification (germline): other (0 of 4 stars; one submission).

Conditions:
Familial colorectal cancer. Identifiers: MedGen CN280943, MONDO:0023113. Disease mechanism: loss of function.

Submission:

Systems Biology Platform Zhejiang California International NanoSystems Institute
Classification: other for Familial colorectal cancer. Review status: no assertion criteria provided. Collection method: not provided. Allele origin: unknown.
ClinVar note: Converted during submission from cancer to other.

NM_000038.6(APC):c.835-728G>A

Gene: APC (APC regulator of WNT signaling pathway; plus strand). Cytogenetic location: 5q22.2.
Variant type: single nucleotide variant.
Coding change: c.835-728G>A on transcript NM_000038.6 (MANE Select); 728 bases into the intron before coding-DNA position 835, G replaced by A.
Molecular consequence: intron variant.
Genome position (GRCh38, 1-based): chr5:112,814,767, G>A. VCF-style: chr5-112814767-G-A. GRCh37 (hg19) VCF-style: chr5-112150464-G-A.
Other names: c.835-728G>A (NM_001354895.2, NM_001127510.3, NM_001354896.2 and 1 more transcripts); c.865-728G>A (NM_001354897.2, NM_001354902.2); c.781-728G>A (NM_001127511.3); c.760-728G>A (NM_001354898.2, NM_001354904.2); c.-15-728G>A (NM_001354906.2); c.751-728G>A (NM_001354899.2); c.658-728G>A (NM_001354900.2, NM_001354901.2, NM_001354905.2).
Identifiers: ClinVar variation 83098 (VCV000083098.2), dbSNP rs78422948, ClinGen allele CA015375.